The following is an entry in ClinVar:

NM_000059.4(BRCA2):c.7806-1175C>T

Gene: BRCA2 (BRCA2 DNA repair associated; plus strand). Cytogenetic location: 13q13.1.
Variant type: single nucleotide variant.
Coding change: c.7806-1175C>T on transcript NM_000059.4 (MANE Select); 1175 bases into the intron before coding-DNA position 7806, C replaced by T.
Molecular consequence: intron variant.
Genome position (GRCh38, 1-based): chr13:32,361,348, C>T. VCF-style: chr13-32361348-C-T. GRCh37 (hg19) VCF-style: chr13-32935485-C-T.
Other names: IVS 16-1175C>T.
Identifiers: ClinVar variation 209773 (VCV000209773.1), dbSNP rs150813429, ClinGen allele CA276741.
Genomic context (GRCh38, chr13:32,361,348, plus strand): 5'-ACTGAGATTGGCCGCTGGATTTAGCACTGCAGAAGACATTACTAATGTTATTAAAAATAG[C>T]TCAATAGATTGGTGGAGTGATATCCTGATTAGAATGCAATTAAAGAGCAGTTGAAGAGGA-3'

ClinVar aggregate classification (germline): Benign (3 of 4 stars; one submission).

Conditions:
Breast-ovarian cancer, familial, susceptibility to, 2 (BROVCA2). Also called: BRCA2 Hereditary Breast and Ovarian Cancer. Identifiers: Orphanet 145, MedGen C2675520, MONDO:0012933, OMIM 612555. Disease mechanism: loss of function.

Allele frequency attached by ClinVar (database versions not stated): gnomAD 0.00032 and 0.00038; TOPMed 0.00057; 1000 Genomes Project 30x 0.00234; 1000 Genomes Project 0.00260.
gnomAD v4.1: 70 of 152,256 alleles (0.046%); highest among the groups gnomAD compares: East Asian, 0.98%; no homozygotes.

Submission:

Evidence-based Network for the Interpretation of Germline Mutant Alleles (ENIGMA)
Classification: Benign for Breast-ovarian cancer, familial 2. Last evaluated: 2015-01-12. Review status: reviewed by expert panel. Criteria: ENIGMA BRCA1/2 Classification Criteria (2015). Collection method: curation. Allele origin: germline.
Comment: Class 1 not pathogenic based on frequency >1% in an outbred sampleset. Frequency 0.01224 (Asian), derived from 1000 genomes (2012-04-30).